The following is an entry in ClinVar:

ClinVar aggregate classification (germline): Conflicting classifications of pathogenicity. Review status: criteria provided, conflicting classifications (1 of 4 stars). 4 submissions from 4 submitters: Pathogenic (1); Uncertain significance (3). Last evaluated 2024-12-24.

Conditions:
Mitochondrial DNA depletion syndrome 16 (hepatic type). Identifiers: MedGen C5193142, MONDO:0032799, OMIM 618528.
Progressive external ophthalmoplegia with mitochondrial DNA deletions, autosomal dominant 4. Also called: PROGRESSIVE EXTERNAL OPHTHALMOPLEGIA, AUTOSOMAL DOMINANT 4. Identifiers: MedGen C1864668, MONDO:0012415, OMIM 610131.

Allele frequency attached by ClinVar (database versions not stated): gnomAD exomes 0.00002; ExAC 0.00003; gnomAD 0.00003.
gnomAD v4.1: 33 of 1,608,524 alleles (0.0021%); highest among the groups gnomAD compares: East Asian, 0.0045%; no homozygotes.

Submissions (4):

Labcorp Genetics (formerly Invitae), Labcorp
Classification: Pathogenic. Last evaluated: 2024-12-24. Review status: criteria provided, single submitter. Criteria: Invitae Variant Classification Sherloc (09022015). Collection method: clinical testing. Allele origin: germline.
Comment: This sequence change creates a premature translational stop signal (p.Arg259*) in the POLG2 gene. It is expected to result in an absent or disrupted protein product. Loss-of-function variants in POLG2 are known to be pathogenic (PMID: 28078310, 29625556). This variant is present in population databases (rs782006396, gnomAD 0.006%). This variant has not been reported in the literature in individuals affected with POLG2-related conditions. ClinVar contains an entry for this variant (Variation ID: 1342575). For these reasons, this variant has been classified as Pathogenic.

Revvity Omics, Revvity
Classification: Uncertain significance. Last evaluated: 2024-06-17. Review status: criteria provided, single submitter. Criteria: ACMG Guidelines, 2015. Collection method: clinical testing. Allele origin: germline.

New York Genome Center
Classification: Uncertain significance for Mitochondrial DNA depletion syndrome 16 (hepatic type); Progressive external ophthalmoplegia with mitochondrial DNA deletions, autosomal dominant 4. Last evaluated: 2021-04-02. Review status: criteria provided, single submitter. Criteria: NYGC Assertion Criteria 2020. Collection method: clinical testing. Allele origin: inherited. Observed: 1 heterozygote. Study: CSER-NYCKidSeq.

GeneDx
Classification: Uncertain significance. Last evaluated: 2020-04-16. Review status: criteria provided, single submitter. Criteria: GeneDx Variant Classification Process June 2021. Collection method: clinical testing. Allele origin: germline. Affected: yes.
Comment: Nonsense variant predicted to result in protein truncation or nonsense mediated decay in a gene for which loss-of-function is not a known mechanism of disease; Has not been previously published as pathogenic or benign to our knowledge

Literature cited by the submitters: PubMed 28078310 (cited by Labcorp Genetics (formerly Invitae), Labcorp); PubMed 29625556 (cited by Labcorp Genetics (formerly Invitae), Labcorp).

NM_007215.4(POLG2):c.775C>T (p.Arg259Ter)

Genes: MILR1 (mast cell immunoglobulin like receptor 1; plus strand), POLG2 (DNA polymerase gamma 2, accessory subunit; minus strand). Cytogenetic location: 17q23.3.
Variant type: single nucleotide variant.
Coding change: c.775C>T on transcript NM_007215.4 (MANE Select); coding-DNA position 775, C replaced by T.
Protein change: p.Arg259Ter; replaces arginine 259 with a stop codon.
Molecular consequence: nonsense.
Genome position (GRCh38, 1-based): chr17:64,492,687, G>A on the plus strand (C>T on the coding strand, the complement: POLG2 is on the minus strand). VCF-style: chr17-64492687-G-A. GRCh37 (hg19) VCF-style: chr17-62488804-G-A.
Other names: c.775C>T (NM_007215.3); short protein forms R259*.
Identifiers: ClinVar variation 1342575 (VCV001342575.7), dbSNP rs782006396, ClinGen allele CA8712924.